The following is an entry in ClinVar:

ClinVar aggregate classification (germline): Uncertain significance (1 of 4 stars; one submission).

Allele frequency attached by ClinVar (database versions not stated): ExAC 0.00002; gnomAD 0.00003; 1000 Genomes Project 30x 0.00016; 1000 Genomes Project 0.00020.
gnomAD v4.1: 21 of 1,614,110 alleles (0.0013%); highest among the groups gnomAD compares: South Asian, 0.0033%; no homozygotes.

Submission:

Labcorp Genetics (formerly Invitae), Labcorp
Classification: Uncertain significance. Last evaluated: 2025-08-18. Review status: criteria provided, single submitter. Criteria: Invitae Variant Classification Sherloc (09022015). Collection method: clinical testing. Allele origin: germline.
Comment: This sequence change replaces arginine, which is basic and polar, with cysteine, which is neutral and slightly polar, at codon 1787 of the COL27A1 protein (p.Arg1787Cys). This variant is present in population databases (rs201559884, gnomAD 0.002%). This variant has not been reported in the literature in individuals affected with COL27A1-related conditions. ClinVar contains an entry for this variant (Variation ID: 2178272). Invitae Evidence Modeling of protein sequence and biophysical properties (such as structural, functional, and spatial information, amino acid conservation, physicochemical variation, residue mobility, and thermodynamic stability) indicates that this missense variant is not expected to disrupt COL27A1 protein function with a negative predictive value of 80%. In summary, the available evidence is currently insufficient to determine the role of this variant in disease. Therefore, it has been classified as a Variant of Uncertain Significance.

NM_032888.4(COL27A1):c.5359C>T (p.Arg1787Cys)

Gene: COL27A1 (collagen type XXVII alpha 1 chain; plus strand). Cytogenetic location: 9q32.
Variant type: single nucleotide variant.
Coding change: c.5359C>T on transcript NM_032888.4 (MANE Select); coding-DNA position 5359, C replaced by T.
Protein change: p.Arg1787Cys; replaces arginine 1787 with cysteine.
Molecular consequence: missense variant.
Genome position (GRCh38, 1-based): chr9:114,309,401, C>T. VCF-style: chr9-114309401-C-T. GRCh37 (hg19) VCF-style: chr9-117071681-C-T.
Other names: short protein forms R1787C.
Identifiers: ClinVar variation 2178272 (VCV002178272.2), dbSNP rs201559884, ClinGen allele CA5203391.